The following is an entry in ClinVar:

NM_000064.4(C3):c.769G>A (p.Ala257Thr)

Gene: C3 (complement C3; minus strand). Cytogenetic location: 19p13.3.
Variant type: single nucleotide variant.
Coding change: c.769G>A on transcript NM_000064.4 (MANE Select); coding-DNA position 769, G replaced by A.
Protein change: p.Ala257Thr; replaces alanine 257 with threonine.
Molecular consequence: missense variant.
Genome position (GRCh38, 1-based): chr19:6,713,996, C>T on the plus strand (G>A on the coding strand, the complement: C3 is on the minus strand). VCF-style: chr19-6713996-C-T. GRCh37 (hg19) VCF-style: chr19-6714007-C-T.
Other names: p.Ala257Thr; short protein forms A257T.
Identifiers: ClinVar variation 599116 (VCV000599116.17), dbSNP rs200918899, ClinGen allele CA9129694.

ClinVar aggregate classification (germline): Uncertain significance. Review status: criteria provided, multiple submitters, no conflicts (2 of 4 stars). 6 submissions from 6 submitters: Uncertain significance (5). 1 of the submissions does not count toward it. Last evaluated 2025-09-30.

Conditions:
C3 glomerulonephritis. Also called: Nephropathy due to CFHR5 Deficiency; C3 GLOMERULOPATHY 3. Identifiers: Orphanet 329931, MedGen C4055342, MONDO:0013892, OMIM 614809.
Atypical hemolytic-uremic syndrome with C3 anomaly. Also called: AHUS, SUSCEPTIBILITY TO, 5. Identifiers: Orphanet 2134, MedGen C2752037, MONDO:0013043, OMIM 612925.
Age related macular degeneration 9. Identifiers: MedGen C1969651, MONDO:0012659, OMIM 611378.
Complement component 3 deficiency. Identifiers: Orphanet 280133, MedGen C3151071, MONDO:0013417, OMIM 613779.

Allele frequency attached by ClinVar (database versions not stated): TOPMed 0.00003; gnomAD 0.00004 and 0.00005; ExAC 0.00005; 1000 Genomes Project 30x 0.00031; 1000 Genomes Project 0.00040.

Submissions (6):

Genomenon, Inc
Classification: Uncertain significance for C3 glomerulonephritis. Last evaluated: 2025-09-30. Review status: criteria provided, single submitter. Criteria: Genomenon Sequence Variant Interpretation Standards. Collection method: curation. Allele origin: germline. Affected: yes.
Comment: C3 p.Ala257Thr (c.769G>A) is a missense variant that changes the amino acid at residue 257 from Alanine to Threonine. This variant has been observed in at least one proband affected with C3 glomerulonephritis (PMID:37615951). It is absent or not present at a significant frequency in gnomAD. In conclusion, we classify C3 p.Ala257Thr (c.769G>A) as a variant of unknown significance.

Labcorp Genetics (formerly Invitae), Labcorp
Classification: Uncertain significance. Last evaluated: 2025-02-02. Review status: criteria provided, single submitter. Criteria: Invitae Variant Classification Sherloc (09022015). Collection method: clinical testing. Allele origin: germline.
Comment: This sequence change replaces alanine, which is neutral and non-polar, with threonine, which is neutral and polar, at codon 257 of the C3 protein (p.Ala257Thr). This variant is present in population databases (rs200918899, gnomAD 0.009%). This variant has not been reported in the literature in individuals affected with C3-related conditions. ClinVar contains an entry for this variant (Variation ID: 599116). Invitae Evidence Modeling of protein sequence and biophysical properties (such as structural, functional, and spatial information, amino acid conservation, physicochemical variation, residue mobility, and thermodynamic stability) indicates that this missense variant is expected to disrupt C3 protein function with a positive predictive value of 80%. In summary, the available evidence is currently insufficient to determine the role of this variant in disease. Therefore, it has been classified as a Variant of Uncertain Significance.

Fulgent Genetics
Classification: Uncertain significance for Age related macular degeneration 9; Atypical hemolytic-uremic syndrome with C3 anomaly; Complement component 3 deficiency. Last evaluated: 2024-01-20. Review status: criteria provided, single submitter. Criteria: ACMG Guidelines, 2015. Collection method: clinical testing. Allele origin: germline.

Blueprint Genetics
Classification: Uncertain significance. Last evaluated: 2023-12-05. Review status: criteria provided, single submitter. Criteria: ACMG Guidelines, 2015. Collection method: clinical testing. Allele origin: germline.

Mayo Clinic Laboratories, Mayo Clinic
Classification: Uncertain significance. Last evaluated: 2021-07-19. Review status: criteria provided, single submitter. Criteria: ACMG Guidelines, 2015. Collection method: clinical testing. Allele origin: germline.

Bioscientia Institut fuer Medizinische Diagnostik GmbH, Sonic Healthcare
Classification: Uncertain significance for Atypical hemolytic-uremic syndrome with C3 anomaly. Last evaluated: 2018-05-16. Review status: no assertion criteria provided. Collection method: clinical testing. Allele origin: germline. Affected: yes. Not counted in ClinVar's aggregate classification.

Literature cited by the submitters: PubMed 37615951 (cited by Genomenon, Inc).